The following is an entry in ClinVar:

ClinVar aggregate classification (germline): Uncertain significance. Review status: criteria provided, multiple submitters, no conflicts (2 of 4 stars). 2 submissions from 2 submitters: Uncertain significance (2). Last evaluated 2020-02-15.

Conditions:
Hereditary diffuse leukoencephalopathy with spheroids. Also called: LEUKOENCEPHALOPATHY, ADULT-ONSET, WITH AXONAL SPHEROIDS AND PIGMENTED GLIA. Identifiers: Orphanet 313808, MedGen C3711381, MONDO:0030796.

Allele frequency attached by ClinVar (database versions not stated): gnomAD exomes below 0.00001; TOPMed below 0.00001.
gnomAD v4.1: 4 of 1,614,118 alleles (0.00025%); highest among the groups gnomAD compares: African/African-American, 0.0013%; no homozygotes.

Submissions (2):

GeneDx
Classification: Uncertain significance. Last evaluated: 2020-02-15. Review status: criteria provided, single submitter. Criteria: GeneDx Variant Classification Process June 2021. Collection method: clinical testing. Allele origin: germline. Affected: yes.
Comment: In silico analysis supports that this missense variant does not alter protein structure/function; Has not been previously published as pathogenic or benign to our knowledge

Illumina Laboratory Services, Illumina
Classification: Uncertain significance for Hereditary diffuse leukoencephalopathy with spheroids. Last evaluated: 2019-12-19. Review status: criteria provided, single submitter. Criteria: ICSLVariantClassificationCriteria RUGD 01 April 2020. Collection method: clinical testing. Allele origin: unknown.
Comment: The CSF1R c.497G>A (p.Arg166Lys) variant is a missense variant. A literature search was performed for the gene, cDNA change, and amino acid change. No publications were found based on this search. This variant is found in one allele in the African population of the Genome Aggregation Database in a region of good sequence coverage, so the variant is presumed to be rare. The p.Arg166Lys variant is located in exon 4, which is not a part of the protein tyrosine kinase domain where variants have been described in association with CSF1R-related adult-onset leukoencephalopathy with axonal spheroids and pigmented glia (Guerreiro et al. 2013). Based on the limited evidence, the p.Arg166Lys variant is classified as a variant of unknown significance for CSF1R-related adult-onset leukoencephalopathy with axonal spheroids and pigmented glia.

Literature cited by the submitters: PubMed 23649896 (cited by Illumina Laboratory Services, Illumina).

NM_001288705.3(CSF1R):c.497G>A (p.Arg166Lys)

Gene: CSF1R (colony stimulating factor 1 receptor; minus strand). Cytogenetic location: 5q32.
Variant type: single nucleotide variant.
Coding change: c.497G>A on transcript NM_001288705.3 (MANE Select); coding-DNA position 497, G replaced by A.
Protein change: p.Arg166Lys; replaces arginine 166 with lysine.
Molecular consequence: missense variant. On other transcripts: non-coding transcript variant (2).
Genome position (GRCh38, 1-based): chr5:150,080,147, C>T on the plus strand (G>A on the coding strand, the complement: CSF1R is on the minus strand). VCF-style: chr5-150080147-C-T. GRCh37 (hg19) VCF-style: chr5-149459710-C-T.
Other names: c.497G>A, p.Arg166Lys (NM_001349736.2, NM_001375320.1, NM_005211.4); c.53G>A, p.Arg18Lys (NM_001375321.1); short protein forms R166K, R18K.
Identifiers: ClinVar variation 973326 (VCV000973326.5), dbSNP rs1187678502, ClinGen allele CA361733302.
Genomic context (GRCh38, chr5:150,080,147, plus strand): 5'-ACCTTCCTGCCACCCATCAGGGCACTGCATTGATAGTCCTGGCTCTGAATGAACTTGGCC[C>T]TGTGGATGGTGAAGCCATGCCAGGGCGAGAAGGAGTAGTTGGTGTGGCGCATGAGGGGCC-3'
Protein context (NP_001275634.1, residues 156-176): FSPWHGFTIH[Arg166Lys]AKFIQSQDYQ